The following is an entry in ClinVar:

NM_001099271.2(POC5):c.344A>G (p.His115Arg)

Gene: POC5 (POC5 centriolar protein; minus strand). Cytogenetic location: 5q13.3.
Variant type: single nucleotide variant.
Coding change: c.344A>G on transcript NM_001099271.2 (MANE Select); coding-DNA position 344, A replaced by G.
Protein change: p.His115Arg; replaces histidine 115 with arginine.
Molecular consequence: missense variant.
Genome position (GRCh38, 1-based): chr5:75,702,774, T>C on the plus strand (A>G on the coding strand, the complement: POC5 is on the minus strand). VCF-style: chr5-75702774-T-C. GRCh37 (hg19) VCF-style: chr5-74998599-T-C.
Other names: c.269A>G, p.His90Arg (NM_152408.3); short protein forms H115R, H90R.
Identifiers: ClinVar variation 3610969 (VCV003610969.2).

ClinVar aggregate classification (germline): Uncertain significance (1 of 4 stars; one submission).

gnomAD v4.1: 5 of 1,590,062 alleles (0.00031%); highest among the groups gnomAD compares: South Asian, 0.0057%; no homozygotes.

Submission:

Labcorp Genetics (formerly Invitae), Labcorp
Classification: Uncertain significance. Last evaluated: 2024-06-17. Review status: criteria provided, single submitter. Criteria: Invitae Variant Classification Sherloc (09022015). Collection method: clinical testing. Allele origin: germline.
Comment: This sequence change replaces histidine, which is basic and polar, with arginine, which is basic and polar, at codon 115 of the POC5 protein (p.His115Arg). The frequency data for this variant in the population databases is considered unreliable, as metrics indicate poor data quality at this position in the gnomAD database. This variant has not been reported in the literature in individuals affected with POC5-related conditions. An algorithm developed to predict the effect of missense changes on protein structure and function (PolyPhen-2) suggests that this variant is likely to be disruptive. In summary, the available evidence is currently insufficient to determine the role of this variant in disease. Therefore, it has been classified as a Variant of Uncertain Significance.